The following is an entry in ClinVar:

NM_001970.5(EIF5A):c.403-4C>T

Gene: EIF5A (eukaryotic translation initiation factor 5A; plus strand). Cytogenetic location: 17p13.1.
Variant type: single nucleotide variant.
Coding change: c.403-4C>T on transcript NM_001970.5 (MANE Select); 4 bases into the intron before coding-DNA position 403, C replaced by T.
Molecular consequence: intron variant.
Genome position (GRCh38, 1-based): chr17:7,311,574, C>T. VCF-style: chr17-7311574-C-T. GRCh37 (hg19) VCF-style: chr17-7214893-C-T.
Other names: c.493-4C>T (NM_001143760.1); c.403-4C>T (NM_001370420.1, NM_001143761.1, NM_001370421.1 and 1 more transcripts).
Identifiers: ClinVar variation 513063 (VCV000513063.1), dbSNP rs1555537758, ClinGen allele CA658798690.
Genomic context (GRCh38, chr17:7,311,574, plus strand): 5'-GCTTTGTTCTGTACGTTTCTTCCTGAGCTCAGACATCTCTTGGCTATCCCTCTTGCTTCT[C>T]CAGATCACGGTGCTGTCTGCCATGACAGAGGAGGCAGCTGTTGCAATCAAGGCCATGGCA-3'

ClinVar aggregate classification (germline): Likely benign (1 of 4 stars; one submission).

Submission:

GeneDx
Classification: Likely benign. Last evaluated: 2017-11-01. Review status: criteria provided, single submitter. Criteria: GeneDx Variant Classification (06012015). Collection method: clinical testing. Allele origin: germline. Affected: yes.
Comment: This variant is considered likely benign or benign based on one or more of the following criteria: it is a conservative change, it occurs at a poorly conserved position in the protein, it is predicted to be benign by multiple in silico algorithms, and/or has population frequency not consistent with disease.